The following is an entry in ClinVar:

NM_002528.7(NTHL1):c.10T>A (p.Leu4Met)

Gene: NTHL1 (nth like DNA glycosylase 1; minus strand). Cytogenetic location: 16p13.3.
Variant type: single nucleotide variant.
Coding change: c.10T>A on transcript NM_002528.7 (MANE Select); coding-DNA position 10, T replaced by A.
Protein change: p.Leu4Met; replaces leucine 4 with methionine.
Molecular consequence: missense variant. On other transcripts: 5 prime UTR variant (1).
Genome position (GRCh38, 1-based): chr16:2,047,814, A>T on the plus strand (T>A on the coding strand, the complement: NTHL1 is on the minus strand). VCF-style: chr16-2047814-A-T. GRCh37 (hg19) VCF-style: chr16-2097815-A-T.
Other names: c.10T>A, p.Leu4Met (NM_001318193.2); c.-169T>A (NM_001318194.2); short protein forms L4M.
Identifiers: ClinVar variation 3408211 (VCV003408211.1).
Genomic context (GRCh38, chr16:2,047,814, plus strand): 5'-ACCCCCGCGGCCCAGCCCCGGGTCCCAGGCTCCGGCTCCGGGTCAGCATCCTCGCGCTCA[A>T]GGCGGTCATGCCGGACTCCTGCGGACTACACATCCCGGCGGCCCATGCGGCCCCGTCACG-3'
Protein context (NP_002519.2, residues 1-14): MTA[Leu4Met]SARMLTRSRS

ClinVar aggregate classification (germline): Uncertain significance (1 of 4 stars; one submission).

Conditions:
Hereditary cancer-predisposing syndrome. Also called: Neoplastic Syndromes, Hereditary; Tumor predisposition; Hereditary Cancer Syndrome; Hereditary neoplastic syndrome. Identifiers: Orphanet 140162, MedGen C0027672, MeSH D009386, MONDO:0015356.

Submission:

Ambry Genetics
Classification: Uncertain significance for Hereditary cancer-predisposing syndrome. Last evaluated: 2024-08-30. Review status: criteria provided, single submitter. Criteria: Ambry Variant Classification Scheme 2023. Collection method: clinical testing. Allele origin: germline.
Comment: The p.L12M variant (also known as c.34T>A), located in coding exon 1 of the NTHL1 gene, results from a T to A substitution at nucleotide position 34. The leucine at codon 12 is replaced by methionine, an amino acid with highly similar properties. This amino acid position is conserved. In addition, this alteration is predicted to be tolerated by in silico analysis. Based on the available evidence, the clinical significance of this variant remains unclear.